The following is an entry in ClinVar:

NM_001365276.2(TNXB):c.4460C>T (p.Pro1487Leu)

Gene: TNXB (tenascin XB; minus strand). Cytogenetic location: 6p21.33.
Variant type: single nucleotide variant.
Coding change: c.4460C>T on transcript NM_001365276.2 (MANE Select); coding-DNA position 4460, C replaced by T.
Protein change: p.Pro1487Leu; replaces proline 1487 with leucine.
Molecular consequence: missense variant.
Genome position (GRCh38, 1-based): chr6:32,073,868, G>A on the plus strand (C>T on the coding strand, the complement: TNXB is on the minus strand). VCF-style: chr6-32073868-G-A. GRCh37 (hg19) VCF-style: chr6-32041645-G-A.
Other names: c.5201C>T, p.Pro1734Leu (NM_001428335.1); c.4460C>T, p.Pro1487Leu (NM_019105.8); short protein forms P1734L, P1487L.
Identifiers: ClinVar variation 3971979 (VCV003971979.1).

ClinVar aggregate classification (germline): Uncertain significance (1 of 4 stars; one submission).

Conditions:
Cardiovascular phenotype. Identifiers: MedGen CN230736.

gnomAD v4.1: 2 of 1,611,158 alleles (0.00012%); highest among the groups gnomAD compares: Non-Finnish European, 0.00017%; no homozygotes.

Submission:

Ambry Genetics
Classification: Uncertain significance for Cardiovascular phenotype. Last evaluated: 2025-03-25. Review status: criteria provided, single submitter. Criteria: Ambry Variant Classification Scheme 2023. Collection method: clinical testing. Allele origin: germline.
Comment: The p.P1487L variant (also known as c.4460C>T), located in coding exon 11 of the TNXB gene, results from a C to T substitution at nucleotide position 4460. The proline at codon 1487 is replaced by leucine, an amino acid with similar properties. This amino acid position is conserved. In addition, this alteration is predicted to be tolerated by in silico analysis. Based on the available evidence, the clinical significance of this variant remains unclear.